The following is an entry in ClinVar:

ClinVar aggregate classification (germline): Uncertain significance (1 of 4 stars; one submission).

Conditions:
Imerslund-Grasbeck syndrome. Also called: Megaloblastic anemia due to inborn errors of metabolism; Imerslund-Gräsbeck syndrome; PERNICIOUS ANEMIA, JUVENILE, DUE TO SELECTIVE INTESTINAL MALABSORPTION OF VITAMIN B12, WITH PROTEINURIA; ENTEROCYTE COBALAMIN MALABSORPTION; ENTEROCYTE INTRINSIC FACTOR RECEPTOR, DEFECT OF. Identifiers: Orphanet 35858, MedGen C4551825, MONDO:0009853.

Submission:

Labcorp Genetics (formerly Invitae), Labcorp
Classification: Uncertain significance for Imerslund-Grasbeck syndrome. Last evaluated: 2023-12-21. Review status: criteria provided, single submitter. Criteria: Invitae Variant Classification Sherloc (09022015). Collection method: clinical testing. Allele origin: germline.
Comment: This sequence change falls in intron 31 of the CUBN gene. It does not directly change the encoded amino acid sequence of the CUBN protein. It affects a nucleotide within the consensus splice site. This variant is not present in population databases (gnomAD no frequency). This variant has not been reported in the literature in individuals affected with CUBN-related conditions. ClinVar contains an entry for this variant (Variation ID: 2122280). Variants that disrupt the consensus splice site are a relatively common cause of aberrant splicing (PMID: 17576681, 9536098). Algorithms developed to predict the effect of sequence changes on RNA splicing suggest that this variant may disrupt the consensus splice site. In summary, the available evidence is currently insufficient to determine the role of this variant in disease. Therefore, it has been classified as a Variant of Uncertain Significance.

Literature cited by the submitters: PubMed 17576681; PubMed 9536098.

NM_001081.4(CUBN):c.4695+5G>A

Gene: CUBN (cubilin; minus strand). Cytogenetic location: 10p13.
Variant type: single nucleotide variant.
Coding change: c.4695+5G>A on transcript NM_001081.4 (MANE Select); 5 bases into the intron after coding-DNA position 4695, G replaced by A.
Molecular consequence: intron variant.
Genome position (GRCh38, 1-based): chr10:16,982,479, C>T on the plus strand (G>A on the coding strand, the complement: CUBN is on the minus strand). VCF-style: chr10-16982479-C-T. GRCh37 (hg19) VCF-style: chr10-17024478-C-T.
Identifiers: ClinVar variation 2122280 (VCV002122280.4), dbSNP rs2491705200, ClinGen allele CA2574513702.
Genomic context (GRCh38, chr10:16,982,479, plus strand): 5'-GCTTATATGGCAGTGTTTTGACCGAGGTTTGACTGGAGACAATGCTTGAAATTTATGTCA[C>T]TTACCATAATACAAGAGTCTTGTGGTTCAAGATCAAAGTCAGTGAAGTTCAAGAGAACAC-3'